The following is an entry in ClinVar:

ClinVar aggregate classification (germline): Uncertain significance. Review status: criteria provided, multiple submitters, no conflicts (2 of 4 stars). 3 submissions from 3 submitters: Uncertain significance (3). Last evaluated 2025-05-07.

Conditions:
Inborn genetic diseases. Identifiers: MedGen C0950123, MeSH D030342.
Upshaw-Schulman syndrome (TTP). Also called: THROMBOTIC THROMBOCYTOPENIC PURPURA, HEREDITARY; Congenital thrombotic thrombocytopenic purpura. Identifiers: Orphanet 93583, MedGen C1268935, MONDO:0010122, OMIM 274150.

Allele frequency attached by ClinVar (database versions not stated): ExAC 0.00001; gnomAD exomes 0.00001; gnomAD 0.00003 and 0.00004; TOPMed 0.00003.
gnomAD v4.1: 11 of 1,613,202 alleles (0.00068%); highest among the groups gnomAD compares: African/African-American, 0.015%; no homozygotes.

Submissions (3):

Mayo Clinic Laboratories, Mayo Clinic
Classification: Uncertain significance. Last evaluated: 2025-05-07. Review status: criteria provided, single submitter. Criteria: ACMG Guidelines, 2015. Collection method: clinical testing. Allele origin: germline. Observed: 2 variant alleles.
Comment: BP4_moderate, PM2_supporting

Fulgent Genetics
Classification: Uncertain significance for Upshaw-Schulman syndrome. Last evaluated: 2022-02-16. Review status: criteria provided, single submitter. Criteria: ACMG Guidelines, 2015. Collection method: clinical testing. Allele origin: unknown.

Ambry Genetics
Classification: Uncertain significance for Inborn genetic diseases. Last evaluated: 2021-10-20. Review status: criteria provided, single submitter. Criteria: Ambry Variant Classification Scheme 2023. Collection method: clinical testing. Allele origin: germline.

NM_139027.6(ADAMTS13):c.3431C>A (p.Thr1144Lys)

Gene: ADAMTS13 (ADAM metallopeptidase with thrombospondin type 1 motif 13; plus strand). Cytogenetic location: 9q34.2.
Variant type: single nucleotide variant.
Coding change: c.3431C>A on transcript NM_139027.6 (MANE Select); coding-DNA position 3431, C replaced by A.
Protein change: p.Thr1144Lys; replaces threonine 1144 with lysine.
Molecular consequence: missense variant. On other transcripts: non-coding transcript variant (1).
Genome position (GRCh38, 1-based): chr9:133,456,099, C>A. VCF-style: chr9-133456099-C-A. GRCh37 (hg19) VCF-style: chr9-136321221-C-A.
Other names: c.3599C>A (NM_139025.3); c.3599C>A, p.Thr1200Lys (NM_139025.5); c.3338C>A, p.Thr1113Lys (NM_139026.6); short protein forms T1113K, T1144K, T1200K.
Identifiers: ClinVar variation 1163511 (VCV001163511.10), dbSNP rs141056078, ClinGen allele CA200944721.